The following is an entry in ClinVar:

ClinVar aggregate classification (germline): Uncertain significance (1 of 4 stars; one submission).

Conditions:
Catecholaminergic polymorphic ventricular tachycardia 1. Also called: VENTRICULAR TACHYCARDIA, STRESS-INDUCED POLYMORPHIC 1; RYR2-Related Catecholaminergic Polymorphic Ventricular Tachycardia; VENTRICULAR TACHYCARDIA, CATECHOLAMINERGIC POLYMORPHIC, 1, WITH OR WITHOUT ATRIAL DYSFUNCTION AND/OR DILATED CARDIOMYOPATHY. Identifiers: Orphanet 3286, MedGen C1631597, MONDO:0011484, OMIM 604772.

Allele frequency attached by ClinVar (database versions not stated): gnomAD exomes below 0.00001.
gnomAD v4.1: 2 of 1,572,684 alleles (0.00013%); highest among the groups gnomAD compares: Non-Finnish European, 0.00017%; no homozygotes.

Submission:

Labcorp Genetics (formerly Invitae), Labcorp
Classification: Uncertain significance for Catecholaminergic polymorphic ventricular tachycardia 1. Last evaluated: 2023-08-08. Review status: criteria provided, single submitter. Criteria: Invitae Variant Classification Sherloc (09022015). Collection method: clinical testing. Allele origin: germline.
Comment: This variant is not present in population databases (gnomAD no frequency). In summary, the available evidence is currently insufficient to determine the role of this variant in disease. Therefore, it has been classified as a Variant of Uncertain Significance. Variants that disrupt the consensus splice site are a relatively common cause of aberrant splicing (PMID: 17576681, 9536098). Algorithms developed to predict the effect of sequence changes on RNA splicing suggest that this variant may create or strengthen a splice site. This variant has not been reported in the literature in individuals affected with RYR2-related conditions. This sequence change falls in intron 79 of the RYR2 gene. It does not directly change the encoded amino acid sequence of the RYR2 protein. It affects a nucleotide within the consensus splice site.

Literature cited by the submitters: PubMed 17576681; PubMed 9536098.

NM_001035.3(RYR2):c.11091+5A>G

Gene: RYR2 (ryanodine receptor 2; plus strand). Cytogenetic location: 1q43.
Variant type: single nucleotide variant.
Coding change: c.11091+5A>G on transcript NM_001035.3 (MANE Select); 5 bases into the intron after coding-DNA position 11091, A replaced by G.
Molecular consequence: intron variant.
Genome position (GRCh38, 1-based): chr1:237,733,761, A>G. VCF-style: chr1-237733761-A-G. GRCh37 (hg19) VCF-style: chr1-237897061-A-G.
Identifiers: ClinVar variation 3019548 (VCV003019548.3), dbSNP rs1435261808, ClinGen allele CA733307595.
Genomic context (GRCh38, chr1:237,733,761, plus strand): 5'-CCAGCAAACTGGAGGAAGATTTTTTATATATGGCCTATGCAGATATTATGGCAAAGGTAA[A>G]TAAGTATCCTTCCTGATTTTCATGTTTAATTTTAATAAAGGGAAGTAACTTTCATCTGAA-3'